The following is an entry in ClinVar:

ClinVar aggregate classification (germline): Uncertain significance (1 of 4 stars; one submission).

Conditions:
Citrin deficiency. Identifiers: Orphanet 247582, MedGen C1997910, MONDO:0016602.

Submission:

Labcorp Genetics (formerly Invitae), Labcorp
Classification: Uncertain significance for Citrin deficiency. Last evaluated: 2022-04-10. Review status: criteria provided, single submitter. Criteria: Invitae Variant Classification Sherloc (09022015). Collection method: clinical testing. Allele origin: germline.
Comment: This sequence change replaces alanine, which is neutral and non-polar, with valine, which is neutral and non-polar, at codon 326 of the SLC25A13 protein (p.Ala326Val). This variant is not present in population databases (gnomAD no frequency). This variant has not been reported in the literature in individuals affected with SLC25A13-related conditions. Advanced modeling of protein sequence and biophysical properties (such as structural, functional, and spatial information, amino acid conservation, physicochemical variation, residue mobility, and thermodynamic stability) performed at Invitae indicates that this missense variant is not expected to disrupt SLC25A13 protein function. Algorithms developed to predict the effect of sequence changes on RNA splicing suggest that this variant may disrupt the consensus splice site. In summary, the available evidence is currently insufficient to determine the role of this variant in disease. Therefore, it has been classified as a Variant of Uncertain Significance.

NM_014251.3(SLC25A13):c.977C>T (p.Ala326Val)

Gene: SLC25A13 (solute carrier family 25 member 13; minus strand). Cytogenetic location: 7q21.3.
Variant type: single nucleotide variant.
Coding change: c.977C>T on transcript NM_014251.3 (MANE Select); coding-DNA position 977, C replaced by T.
Protein change: p.Ala326Val; replaces alanine 326 with valine.
Molecular consequence: missense variant. On other transcripts: non-coding transcript variant (1).
Genome position (GRCh38, 1-based): chr7:96,184,968, G>A on the plus strand (C>T on the coding strand, the complement: SLC25A13 is on the minus strand). VCF-style: chr7-96184968-G-A. GRCh37 (hg19) VCF-style: chr7-95814280-G-A.
Other names: c.980C>T, p.Ala327Val (NM_001160210.2); short protein forms A326V, A327V.
Identifiers: ClinVar variation 2124057 (VCV002124057.4), dbSNP rs2485796267, ClinGen allele CA368260664.